The following is an entry in ClinVar:

NM_005732.4(RAD50):c.2400G>T (p.Met800Ile)

Gene: RAD50 (RAD50 double strand break repair protein; plus strand). Cytogenetic location: 5q31.1.
Variant type: single nucleotide variant.
Coding change: c.2400G>T on transcript NM_005732.4 (MANE Select); coding-DNA position 2400, G replaced by T.
Protein change: p.Met800Ile; replaces methionine 800 with isoleucine.
Molecular consequence: missense variant.
Genome position (GRCh38, 1-based): chr5:132,603,922, G>T. VCF-style: chr5-132603922-G-T. GRCh37 (hg19) VCF-style: chr5-131939614-G-T.
Other names: short protein forms M800I.
Identifiers: ClinVar variation 4149751 (VCV004149751.1).

ClinVar aggregate classification (germline): Uncertain significance (1 of 4 stars; one submission).

Conditions:
Hereditary cancer-predisposing syndrome. Also called: Hereditary neoplastic syndrome; Neoplastic Syndromes, Hereditary; Tumor predisposition; Hereditary Cancer Syndrome. Identifiers: Orphanet 140162, MedGen C0027672, MeSH D009386, MONDO:0015356.

Submission:

Ambry Genetics
Classification: Uncertain significance for Hereditary cancer-predisposing syndrome. Last evaluated: 2025-09-14. Review status: criteria provided, single submitter. Criteria: Ambry Variant Classification Scheme 2023. Collection method: clinical testing. Allele origin: germline.
Comment: The p.M800I variant (also known as c.2400G>T), located in coding exon 15 of the RAD50 gene, results from a G to T substitution at nucleotide position 2400. The methionine at codon 800 is replaced by isoleucine, an amino acid with highly similar properties. This amino acid position is conserved. In addition, this alteration is predicted to be tolerated by in silico analysis. Based on the available evidence, the clinical significance of this variant remains unclear.